The following is an entry in ClinVar:

ClinVar aggregate classification (germline): Uncertain significance (1 of 4 stars; one submission).

Allele frequency attached by ClinVar (database versions not stated): TOPMed below 0.00001.

Submission:

CeGaT Center for Human Genetics Tuebingen
Classification: Uncertain significance. Last evaluated: 2023-04-01. Review status: criteria provided, single submitter. Criteria: CeGaT Center For Human Genetics Tuebingen Variant Classification Criteria Version 2. Collection method: clinical testing. Allele origin: germline. Affected: yes. Observed: 1 variant allele.
Comment: CACNA1G: PM2

NM_018896.5(CACNA1G):c.3599A>G (p.Asn1200Ser)

Gene: CACNA1G (calcium voltage-gated channel subunit alpha1 G; plus strand). Cytogenetic location: 17q21.33.
Variant type: single nucleotide variant.
Coding change: c.3599A>G on transcript NM_018896.5 (MANE Select); coding-DNA position 3599, A replaced by G.
Protein change: p.Asn1200Ser; replaces asparagine 1200 with serine.
Molecular consequence: missense variant. On other transcripts: non-coding transcript variant (5).
Genome position (GRCh38, 1-based): chr17:50,599,768, A>G. VCF-style: chr17-50599768-A-G. GRCh37 (hg19) VCF-style: chr17-48677129-A-G.
Other names: c.3599A>G, p.Asn1200Ser (NM_001256324.2, NM_001256325.2, NM_001256326.2 and 16 more transcripts); c.3530A>G, p.Asn1177Ser (NM_001256332.2, NM_198376.3, NM_198379.3 and 5 more transcripts); short protein forms N1177S, N1200S.
Identifiers: ClinVar variation 2647915 (VCV002647915.24), dbSNP rs2046239234, ClinGen allele CA400253892.